The following is an entry in ClinVar:

NM_001127222.2(CACNA1A):c.1197A>T (p.Ala399=)

Gene: CACNA1A (calcium voltage-gated channel subunit alpha1 A; minus strand). Cytogenetic location: 19p13.13.
Variant type: single nucleotide variant.
Coding change: c.1197A>T on transcript NM_001127222.2 (MANE Select); coding-DNA position 1197, A replaced by T.
Protein change: p.Ala399=; no amino-acid change (alanine 399 retained).
Molecular consequence: synonymous variant.
Genome position (GRCh38, 1-based): chr19:13,334,379, T>A on the plus strand (A>T on the coding strand, the complement: CACNA1A is on the minus strand). VCF-style: chr19-13334379-T-A. GRCh37 (hg19) VCF-style: chr19-13445193-T-A.
Other names: c.1197A>T, p.Ala399= (NM_000068.4, NM_001127221.2, NM_001174080.2 and 1 more transcripts).
Identifiers: ClinVar variation 2951534 (VCV002951534.3), dbSNP rs2513048814, ClinGen allele CA505664016.

ClinVar aggregate classification (germline): Uncertain significance (1 of 4 stars; one submission).

Conditions:
Episodic ataxia type 2 (EA2). Also called: CEREBELLAR ATAXIA, PAROXYSMAL, ACETAZOLAMIDE-RESPONSIVE; CEREBELLOPATHY, HEREDITARY PAROXYSMAL; EPISODIC ATAXIA, NYSTAGMUS-ASSOCIATED; ACETAZOLAMIDE-RESPONSIVE HEREDITARY PAROXYSMAL CEREBELLAR ATAXIA; ATAXIA, EPISODIC, WITH NYSTAGMUS; ATAXIA, FAMILIAL PAROXYSMAL. Identifiers: Orphanet 97, MedGen C1720416, MONDO:0007163, OMIM 108500.
Developmental and epileptic encephalopathy, 42 (DEE42A). Also called: Epileptic encephalopathy, early infantile, 42; DEVELOPMENTAL AND EPILEPTIC ENCEPHALOPATHY 42A; EPILEPTIC ENCEPHALOPATHY, EARLY INFANTILE, 42A. Identifiers: MedGen C4310716, MONDO:0014917, OMIM 617106.

Submission:

Labcorp Genetics (formerly Invitae), Labcorp
Classification: Uncertain significance for Developmental and epileptic encephalopathy, 42; Episodic ataxia type 2. Last evaluated: 2023-09-03. Review status: criteria provided, single submitter. Criteria: Invitae Variant Classification Sherloc (09022015). Collection method: clinical testing. Allele origin: germline.
Comment: This variant has not been reported in the literature in individuals affected with CACNA1A-related conditions. In summary, the available evidence is currently insufficient to determine the role of this variant in disease. Therefore, it has been classified as a Variant of Uncertain Significance. Algorithms developed to predict the effect of sequence changes on RNA splicing suggest that this variant may disrupt the consensus splice site. This variant is not present in population databases (gnomAD no frequency). This sequence change affects codon 399 of the CACNA1A mRNA. It is a 'silent' change, meaning that it does not change the encoded amino acid sequence of the CACNA1A protein. It affects a nucleotide within the consensus splice site.